The following is an entry in ClinVar:

NM_024642.5(GALNT12):c.1263G>T (p.Gln421His)

Gene: GALNT12 (polypeptide N-acetylgalactosaminyltransferase 12; plus strand). Cytogenetic location: 9q22.33.
Variant type: single nucleotide variant.
Coding change: c.1263G>T on transcript NM_024642.5 (MANE Select); coding-DNA position 1263, G replaced by T.
Protein change: p.Gln421His; replaces glutamine 421 with histidine.
Molecular consequence: missense variant.
Genome position (GRCh38, 1-based): chr9:98,840,052, G>T. VCF-style: chr9-98840052-G-T. GRCh37 (hg19) VCF-style: chr9-101602334-G-T.
Other names: short protein forms Q421H.
Identifiers: ClinVar variation 1491868 (VCV001491868.8), dbSNP rs2118469709, ClinGen allele CA374220983.

ClinVar aggregate classification (germline): Uncertain significance. Review status: criteria provided, multiple submitters, no conflicts (2 of 4 stars). 2 submissions from 2 submitters: Uncertain significance (2). Last evaluated 2022-10-27.

Submissions (2):

Ambry Genetics
Classification: Uncertain significance. Last evaluated: 2022-10-27. Review status: criteria provided, single submitter. Criteria: Ambry Variant Classification Scheme 2023. Collection method: clinical testing. Allele origin: germline.
Comment: The p.Q421H variant (also known as c.1263G>T), located in coding exon 7 of the GALNT12 gene, results from a G to T substitution at nucleotide position 1263. The glutamine at codon 421 is replaced by histidine, an amino acid with highly similar properties. This amino acid position is conserved. In addition, this alteration is predicted to be tolerated by in silico analysis. Since supporting evidence is limited at this time, the clinical significance of this alteration remains unclear.

Labcorp Genetics (formerly Invitae), Labcorp
Classification: Uncertain significance. Last evaluated: 2021-10-19. Review status: criteria provided, single submitter. Criteria: Invitae Variant Classification Sherloc (09022015). Collection method: clinical testing. Allele origin: germline.
Comment: In summary, the available evidence is currently insufficient to determine the role of this variant in disease. Therefore, it has been classified as a Variant of Uncertain Significance. Algorithms developed to predict the effect of missense changes on protein structure and function output the following: SIFT: "Tolerated"; PolyPhen-2: "Benign"; Align-GVGD: "Class C0". The histidine amino acid residue is found in multiple mammalian species, which suggests that this missense change does not adversely affect protein function. This variant has not been reported in the literature in individuals affected with GALNT12-related conditions. This variant is not present in population databases (ExAC no frequency). This sequence change replaces glutamine with histidine at codon 421 of the GALNT12 protein (p.Gln421His). The glutamine residue is moderately conserved and there is a small physicochemical difference between glutamine and histidine.